The following is an entry in ClinVar:

ClinVar aggregate classification (germline): Uncertain significance (1 of 4 stars; one submission).

Conditions:
Inborn genetic diseases. Identifiers: MedGen C0950123, MeSH D030342.

Submission:

Ambry Genetics
Classification: Uncertain significance for Inborn genetic diseases. Last evaluated: 2023-11-09. Review status: criteria provided, single submitter. Criteria: Ambry Variant Classification Scheme 2023. Collection method: clinical testing. Allele origin: germline.
Comment: The p.Q366H variant (also known as c.1098A>C), located in coding exon 4 of the ATR gene, results from an A to C substitution at nucleotide position 1098. The glutamine at codon 366 is replaced by histidine, an amino acid with highly similar properties. This amino acid position is conserved. In addition, this alteration is predicted to be tolerated by in silico analysis. Since supporting evidence is limited at this time, the clinical significance of this alteration remains unclear.

NM_001184.4(ATR):c.1098A>C (p.Gln366His)

Gene: ATR (ATR checkpoint kinase; minus strand). Cytogenetic location: 3q23.
Variant type: single nucleotide variant.
Coding change: c.1098A>C on transcript NM_001184.4 (MANE Select); coding-DNA position 1098, A replaced by C.
Protein change: p.Gln366His; replaces glutamine 366 with histidine.
Molecular consequence: missense variant.
Genome position (GRCh38, 1-based): chr3:142,562,304, T>G on the plus strand (A>C on the coding strand, the complement: ATR is on the minus strand). VCF-style: chr3-142562304-T-G. GRCh37 (hg19) VCF-style: chr3-142281146-T-G.
Other names: c.1098A>C, p.Gln366His (NM_001354579.2); short protein forms Q366H.
Identifiers: ClinVar variation 3221034 (VCV003221034.1), dbSNP rs2473425315, ClinGen allele CA354823720.